The following is an entry in ClinVar:

ClinVar aggregate classification (germline): Uncertain significance (1 of 4 stars; one submission).

Submission:

Women's Health and Genetics/Laboratory Corporation of America, LabCorp
Classification: Uncertain significance. Last evaluated: 2026-03-16. Review status: criteria provided, single submitter. Criteria: LabCorp Variant Classification Summary - May 2015. Collection method: clinical testing. Allele origin: germline.
Comment: Variant summary: CASR c.2510A>G (p.Glu837Gly) results in a non-conservative amino acid change in the encoded protein sequence. Algorithms developed to predict the effect of missense changes on protein structure and function all suggest that this variant is likely to be disruptive. The frequency data for this variant in gnomAD is considered unreliable, as metrics indicate poor data quality at this position. To our knowledge, no occurrence of c.2510A>G in individuals affected with CASR-related conditions and no experimental evidence demonstrating its impact on protein function have been reported. No submitters have cited clinical-significance assessments for this variant to ClinVar. Based on the evidence outlined above, the variant was classified as uncertain significance.

NM_000388.4(CASR):c.2510A>G (p.Glu837Gly)

Gene: CASR (calcium sensing receptor; plus strand). Cytogenetic location: 3q21.1.
Variant type: single nucleotide variant.
Coding change: c.2510A>G on transcript NM_000388.4 (MANE Select); coding-DNA position 2510, A replaced by G.
Protein change: p.Glu837Gly; replaces glutamic acid 837 with glycine.
Molecular consequence: missense variant.
Genome position (GRCh38, 1-based): chr3:122,284,464, A>G. VCF-style: chr3-122284464-A-G. GRCh37 (hg19) VCF-style: chr3-122003311-A-G.
Other names: c.2540A>G, p.Glu847Gly (NM_001178065.2); short protein forms E837G, E847G.
Identifiers: ClinVar variation 4847192 (VCV004847192.1).
Genomic context (GRCh38, chr3:122,284,464, plus strand): 5'-TCTGGATCTCCTTCATTCCAGCCTATGCCAGCACCTATGGCAAGTTTGTCTCTGCCGTAG[A>G]GGTGATTGCCATCCTGGCAGCCAGCTTTGGCTTGCTGGCGTGCATCTTCTTCAACAAGAT-3'
Protein context (NP_000379.3, residues 827-847): STYGKFVSAV[Glu837Gly]VIAILAASFG